The following is an entry in ClinVar:

ClinVar aggregate classification (germline): Benign/Likely benign. Review status: criteria provided, multiple submitters, no conflicts (2 of 4 stars). 4 submissions from 4 submitters: Benign (1); Likely benign (3). Last evaluated 2025-12-30.

Conditions:
KMT2B-related disorder. Also called: KMT2B-related condition; KMT2B-related disorders. Identifiers: MedGen CN381338.
Inborn genetic diseases. Identifiers: MedGen C0950123, MeSH D030342.

Allele frequency attached by ClinVar (database versions not stated): gnomAD exomes 0.00007 and 0.00016; ExAC 0.00023; gnomAD 0.00037 and 0.00038; TOPMed 0.00044; 1000 Genomes Project 0.00060; 1000 Genomes Project 30x 0.00062; ESP Exome Variant Server 0.00073.
gnomAD v4.1: 157 of 1,613,758 alleles (0.0097%); highest among the groups gnomAD compares: African/African-American, 0.12%; 1 homozygote.

Submissions (4):

Labcorp Genetics (formerly Invitae), Labcorp
Classification: Benign. Last evaluated: 2025-12-30. Review status: criteria provided, single submitter. Criteria: Invitae Variant Classification Sherloc (09022015). Collection method: clinical testing. Allele origin: germline.

PreventionGenetics, part of Exact Sciences
Classification: Likely benign for KMT2B-related condition. Last evaluated: 2025-02-05. Review status: criteria provided, single submitter. Criteria: ACMG Guidelines, 2015. Collection method: clinical testing. Allele origin: germline.
Comment: This variant is classified as likely benign based on ACMG/AMP sequence variant interpretation guidelines (Richards et al. 2015 PMID: 25741868, with internal and published modifications).

Ambry Genetics
Classification: Likely benign for Inborn genetic diseases. Last evaluated: 2023-12-29. Review status: criteria provided, single submitter. Criteria: Ambry Variant Classification Scheme 2023. Collection method: clinical testing. Allele origin: germline.

GeneDx
Classification: Likely benign. Last evaluated: 2021-02-17. Review status: criteria provided, single submitter. Criteria: GeneDx Variant Classification Process June 2021. Collection method: clinical testing. Allele origin: germline. Affected: yes.

NM_014727.3(KMT2B):c.5501G>A (p.Arg1834His)

Gene: KMT2B (lysine methyltransferase 2B; plus strand). Cytogenetic location: 19q13.12.
Variant type: single nucleotide variant.
Coding change: c.5501G>A on transcript NM_014727.3 (MANE Select); coding-DNA position 5501, G replaced by A.
Protein change: p.Arg1834His; replaces arginine 1834 with histidine.
Molecular consequence: missense variant.
Genome position (GRCh38, 1-based): chr19:35,731,971, G>A. VCF-style: chr19-35731971-G-A. GRCh37 (hg19) VCF-style: chr19-36222872-G-A.
Other names: c.5501G>A (NM_014727.1); short protein forms R1834H.
Identifiers: ClinVar variation 1253829 (VCV001253829.9), dbSNP rs200461439, ClinGen allele CA9385439.